The following is an entry in ClinVar:

ClinVar aggregate classification (germline): Uncertain significance (1 of 4 stars; one submission).

Conditions:
Inborn genetic diseases. Identifiers: MedGen C0950123, MeSH D030342.

Allele frequency attached by ClinVar (database versions not stated): gnomAD exomes below 0.00001; ExAC 0.00001; gnomAD 0.00001.
gnomAD v4.1: 8 of 1,611,478 alleles (0.0005%); highest among the groups gnomAD compares: Non-Finnish European, 0.00059%; no homozygotes.

Submission:

Ambry Genetics
Classification: Uncertain significance for Inborn genetic diseases. Last evaluated: 2022-10-21. Review status: criteria provided, single submitter. Criteria: Ambry Variant Classification Scheme 2023. Collection method: clinical testing. Allele origin: germline.
Comment: The p.V2390A variant (also known as c.7169T>C), located in coding exon 48 of the LRRK2 gene, results from a T to C substitution at nucleotide position 7169. The valine at codon 2390 is replaced by alanine, an amino acid with similar properties. This amino acid position is conserved. In addition, this alteration is predicted to be tolerated by in silico analysis. Since supporting evidence is limited at this time, the clinical significance of this alteration remains unclear.

NM_198578.4(LRRK2):c.7169T>C (p.Val2390Ala)

Gene: LRRK2 (leucine rich repeat kinase 2; plus strand). Cytogenetic location: 12q12.
Variant type: single nucleotide variant.
Coding change: c.7169T>C on transcript NM_198578.4 (MANE Select); coding-DNA position 7169, T replaced by C.
Protein change: p.Val2390Ala; replaces valine 2390 with alanine.
Molecular consequence: missense variant.
Genome position (GRCh38, 1-based): chr12:40,363,542, T>C. VCF-style: chr12-40363542-T-C. GRCh37 (hg19) VCF-style: chr12-40757344-T-C.
Other names: short protein forms V2390A.
Identifiers: ClinVar variation 1757460 (VCV001757460.2), dbSNP rs376230626, ClinGen allele CA6514858.
Genomic context (GRCh38, chr12:40,363,542, plus strand): 5'-GCCCTGTTGTGGAAGTGTGGGATAAGAAAACTGAAAAACTCTGTGGACTAATAGACTGCG[T>C]GCACTTTTTAAGGTAAATTCTGTGGTTTTTAATTTTATTCCCAAAAGAATTATCTTTGCA-3'
Protein context (NP_940980.4, residues 2380-2400): TEKLCGLIDC[Val2390Ala]HFLREVMVKE